The following is an entry in ClinVar:

NM_001127671.2(LIFR):c.737-1G>T

Gene: LIFR (LIF receptor subunit alpha; minus strand). Cytogenetic location: 5p13.1.
Variant type: single nucleotide variant.
Coding change: c.737-1G>T on transcript NM_001127671.2 (MANE Select); the canonical splice acceptor site of the intron before coding-DNA position 737, G replaced by T.
Molecular consequence: splice acceptor variant.
Genome position (GRCh38, 1-based): chr5:38,510,719, C>A on the plus strand (G>T on the coding strand, the complement: LIFR is on the minus strand). VCF-style: chr5-38510719-C-A. GRCh37 (hg19) VCF-style: chr5-38510821-C-A.
Other names: c.737-1G>T (NM_002310.6, NM_001364298.2, NM_001364297.2).
Identifiers: ClinVar variation 1473907 (VCV001473907.6), dbSNP rs899895056, ClinGen allele CA117162411.

ClinVar aggregate classification (germline): Likely pathogenic (1 of 4 stars; one submission).

Allele frequency attached by ClinVar (database versions not stated): gnomAD exomes below 0.00001 and 0.00001.

Submission:

Labcorp Genetics (formerly Invitae), Labcorp
Classification: Likely pathogenic. Last evaluated: 2023-07-19. Review status: criteria provided, single submitter. Criteria: Invitae Variant Classification Sherloc (09022015). Collection method: clinical testing. Allele origin: germline.
Comment: In summary, the currently available evidence indicates that the variant is pathogenic, but additional data are needed to prove that conclusively. Therefore, this variant has been classified as Likely Pathogenic. Algorithms developed to predict the effect of sequence changes on RNA splicing suggest that this variant may disrupt the consensus splice site. ClinVar contains an entry for this variant (Variation ID: 1473907). This variant has not been reported in the literature in individuals affected with LIFR-related conditions. This variant is present in population databases (no rsID available, gnomAD 0.0009%). This sequence change affects an acceptor splice site in intron 6 of the LIFR gene. It is expected to disrupt RNA splicing. Variants that disrupt the donor or acceptor splice site typically lead to a loss of protein function (PMID: 16199547), and loss-of-function variants in LIFR are known to be pathogenic (PMID: 14740318).

Literature cited by the submitters: PubMed 16199547; PubMed 14740318.